The following is an entry in ClinVar:

ClinVar aggregate classification (germline): Uncertain significance (1 of 4 stars; one submission).

Submission:

Labcorp Genetics (formerly Invitae), Labcorp
Classification: Uncertain significance. Last evaluated: 2024-10-30. Review status: criteria provided, single submitter. Criteria: Invitae Variant Classification Sherloc (09022015). Collection method: clinical testing. Allele origin: germline.
Comment: This sequence change replaces threonine, which is neutral and polar, with asparagine, which is neutral and polar, at codon 4756 of the HMCN1 protein (p.Thr4756Asn). This variant is not present in population databases (gnomAD no frequency). This variant has not been reported in the literature in individuals affected with HMCN1-related conditions. An algorithm developed to predict the effect of missense changes on protein structure and function (PolyPhen-2) suggests that this variant is likely to be tolerated. In summary, the available evidence is currently insufficient to determine the role of this variant in disease. Therefore, it has been classified as a Variant of Uncertain Significance.

NM_031935.3(HMCN1):c.14267C>A (p.Thr4756Asn)

Gene: HMCN1 (hemicentin 1; plus strand). Cytogenetic location: 1q31.1.
Variant type: single nucleotide variant.
Coding change: c.14267C>A on transcript NM_031935.3 (MANE Select); coding-DNA position 14267, C replaced by A.
Protein change: p.Thr4756Asn; replaces threonine 4756 with asparagine.
Molecular consequence: missense variant.
Genome position (GRCh38, 1-based): chr1:186,145,403, C>A. VCF-style: chr1-186145403-C-A. GRCh37 (hg19) VCF-style: chr1-186114535-C-A.
Other names: short protein forms T4756N.
Identifiers: ClinVar variation 3689460 (VCV003689460.2).